The following is an entry in ClinVar:

NM_001378454.1(ALMS1):c.4022G>C (p.Gly1341Ala)

Gene: ALMS1 (ALMS1 centrosome and basal body associated protein; plus strand). Cytogenetic location: 2p13.1.
Variant type: single nucleotide variant.
Coding change: c.4022G>C on transcript NM_001378454.1 (MANE Select); coding-DNA position 4022, G replaced by C.
Protein change: p.Gly1341Ala; replaces glycine 1341 with alanine.
Molecular consequence: missense variant.
Genome position (GRCh38, 1-based): chr2:73,450,549, G>C. VCF-style: chr2-73450549-G-C. GRCh37 (hg19) VCF-style: chr2-73677676-G-C.
Other names: c.4025G>C, p.Gly1342Ala (NM_015120.4); short protein forms G1342A, G1341A.
Identifiers: ClinVar variation 2115648 (VCV002115648.4), dbSNP rs1671911104, ClinGen allele CA347277299.

ClinVar aggregate classification (germline): Uncertain significance (1 of 4 stars; one submission).

Conditions:
Alstrom syndrome (ALMS). Identifiers: Orphanet 64, MedGen C0268425, MONDO:0008763, OMIM 203800.

Submission:

Labcorp Genetics (formerly Invitae), Labcorp
Classification: Uncertain significance for Alstrom syndrome. Last evaluated: 2022-03-21. Review status: criteria provided, single submitter. Criteria: Invitae Variant Classification Sherloc (09022015). Collection method: clinical testing. Allele origin: germline.
Comment: In summary, the available evidence is currently insufficient to determine the role of this variant in disease. Therefore, it has been classified as a Variant of Uncertain Significance. Experimental studies and prediction algorithms are not available or were not evaluated, and the effect of this variant on mRNA splicing is currently unknown. This variant has not been reported in the literature in individuals affected with ALMS1-related conditions. This variant is not present in population databases (gnomAD no frequency). This sequence change replaces glycine, which is neutral and non-polar, with alanine, which is neutral and non-polar, at codon 1342 of the ALMS1 protein (p.Gly1342Ala).